The following is an entry in ClinVar:

NM_002382.5(MAX):c.6C>T (p.Ser2=)

Genes: MAX (MYC associated transcriptional regulator X; minus strand), LOC130055850 (ATAC-STARR-seq lymphoblastoid silent region 5847; plus strand). Cytogenetic location: 14q23.3.
Variant type: single nucleotide variant.
Coding change: c.6C>T on transcript NM_002382.5 (MANE Select); coding-DNA position 6, C replaced by T.
Protein change: p.Ser2=; no amino-acid change (serine 2 retained).
Molecular consequence: synonymous variant. On other transcripts: 5 prime UTR variant (1).
Genome position (GRCh38, 1-based): chr14:65,102,334, G>A on the plus strand (C>T on the coding strand, the complement: MAX is on the minus strand). VCF-style: chr14-65102334-G-A. GRCh37 (hg19) VCF-style: chr14-65569052-G-A.
Other names: p.Ser2=; c.6C>T, p.Ser2= (NM_001271068.2, NM_001271069.2, NM_145112.3 and 3 more transcripts); c.-269C>T (NM_001320415.2).
Identifiers: ClinVar variation 463813 (VCV000463813.21), dbSNP rs138539686, ClinGen allele CA7233039.

ClinVar aggregate classification (germline): Conflicting classifications of pathogenicity. Review status: criteria provided, conflicting classifications (1 of 4 stars). 7 submissions from 7 submitters: Uncertain significance (1); Benign (1); Likely benign (5). Last evaluated 2026-06-08.

Conditions:
MAX-related disorder. Also called: MAX-related condition.
Hereditary cancer-predisposing syndrome. Also called: Tumor predisposition; Hereditary neoplastic syndrome; Neoplastic Syndromes, Hereditary; Hereditary Cancer Syndrome. Identifiers: Orphanet 140162, MedGen C0027672, MeSH D009386, MONDO:0015356.
Hereditary pheochromocytoma and paraganglioma. Also called: Hereditary pheochromocytoma-paraganglioma; Hereditary Paraganglioma-Pheochromocytoma Syndromes; Hereditary paragangliomas and pheochromocytomas. Identifiers: Orphanet 29072, MedGen C4274332, MONDO:0017366.
Pheochromocytoma. Also called: MAX-Related Hereditary Paraganglioma-Pheochromocytoma Syndrome. Identifiers: Orphanet 29072, MedGen C0031511, MONDO:0008233, OMIM 171300, HP:0002666.

Allele frequency attached by ClinVar (database versions not stated): gnomAD exomes 0.00002 and 0.00007; ExAC 0.00003; gnomAD 0.00005; TOPMed 0.00005; ESP Exome Variant Server 0.00031.
gnomAD v4.1: 106 of 1,613,616 alleles (0.0066%); highest among the groups gnomAD compares: Non-Finnish European, 0.0085%; 1 homozygote.

Submissions (7):

Myriad Genetics, Inc.
Classification: Benign for Pheochromocytoma. Last evaluated: 2026-06-08. Review status: criteria provided, single submitter. Criteria: Myriad Autosomal Dominant, Autosomal Recessive and X-Linked Classification Criteria (2023). Collection method: clinical testing. Allele origin: unknown.
Comment: This variant is considered benign. This variant is a silent/synonymous amino acid change and it is not expected to impact splicing.

Labcorp Genetics (formerly Invitae), Labcorp
Classification: Likely benign for Hereditary pheochromocytoma and paraganglioma. Last evaluated: 2026-01-18. Review status: criteria provided, single submitter. Criteria: Invitae Variant Classification Sherloc (09022015). Collection method: clinical testing. Allele origin: germline.

PreventionGenetics, part of Exact Sciences
Classification: Likely benign for MAX-related condition. Last evaluated: 2025-10-30. Review status: criteria provided, single submitter. Criteria: ACMG Guidelines, 2015. Collection method: clinical testing. Allele origin: germline.
Comment: This variant is classified as likely benign based on ACMG/AMP sequence variant interpretation guidelines (Richards et al. 2015 PMID: 25741868, with internal and published modifications).

Mayo Clinic Laboratories, Mayo Clinic
Classification: Likely benign. Last evaluated: 2025-01-21. Review status: criteria provided, single submitter. Criteria: ACMG Guidelines, 2015. Collection method: clinical testing. Allele origin: germline. Observed: 1 variant allele.
Comment: BP4, BP7

Quest Diagnostics Nichols Institute San Juan Capistrano
Classification: Uncertain significance. Last evaluated: 2024-07-03. Review status: criteria provided, single submitter. Criteria: Quest Diagnostics criteria. Collection method: clinical testing. Allele origin: unknown.
Comment: The MAX c.6C>T (p.Ser2=) synonymous variant has not been reported in individuals with MAX-related conditions in the published literature. The frequency of this variant in the general population, 0.000055 (6/109872 chromosomes (Genome Aggregation Database)), is uninformative in the assessment of its pathogenicity. Analysis of this variant using software algorithms for the prediction of the effect of nucleotide changes on splicing yielded predictions that this variant does not affect MAX mRNA splicing. Based on the available information, we are unable to determine the clinical significance of this variant.

GeneDx
Classification: Likely benign. Last evaluated: 2020-10-21. Review status: criteria provided, single submitter. Criteria: GeneDx Variant Classification Process June 2021. Collection method: clinical testing. Allele origin: germline. Affected: yes.

Ambry Genetics
Classification: Likely benign for Hereditary cancer-predisposing syndrome. Last evaluated: 2015-07-24. Review status: criteria provided, single submitter. Criteria: Ambry Variant Classification Scheme 2023. Collection method: clinical testing. Allele origin: germline.